The following is an entry in ClinVar:

ClinVar aggregate classification (germline): Pathogenic (1 of 4 stars; one submission).

Conditions:
Cranioectodermal dysplasia 1 (CED1). Also called: LEVIN SYNDROME I. Identifiers: Orphanet 1515, MedGen C0432235, MONDO:0021093, OMIM 218330.

Submission:

Labcorp Genetics (formerly Invitae), Labcorp
Classification: Pathogenic for Cranioectodermal dysplasia 1. Last evaluated: 2022-04-30. Review status: criteria provided, single submitter. Criteria: Invitae Variant Classification Sherloc (09022015). Collection method: clinical testing. Allele origin: germline.
Comment: This sequence change creates a premature translational stop signal (p.Lys179Asnfs*40) in the IFT122 gene. It is expected to result in an absent or disrupted protein product. Loss-of-function variants in IFT122 are known to be pathogenic (PMID: 20493458, 23826986, 26792575). This variant is not present in population databases (gnomAD no frequency). For these reasons, this variant has been classified as Pathogenic. This variant has not been reported in the literature in individuals affected with IFT122-related conditions.

Literature cited by the submitters: PubMed 20493458; PubMed 23826986; PubMed 26792575.

NM_052989.3(IFT122):c.384del (p.Lys128fs)

Gene: IFT122 (intraflagellar transport 122; plus strand). Cytogenetic location: 3q21.3.
Variant type: Deletion.
Coding change: c.384del on transcript NM_052989.3 (MANE Select); coding-DNA position 384, one base deleted (A; older notation c.384delA).
Protein change: p.Lys128fs; shifts the reading frame from lysine 128.
Molecular consequence: frameshift variant. On other transcripts: 5 prime UTR variant (2).
Genome position (GRCh38, 1-based): chr3:129,463,594, A deleted; the last of 3 consecutive A bases (chr3:129,463,592-129,463,594); deleting any one gives the same sequence. VCF-style (leftmost placement, unchanged base first): chr3-129463591-CA-C. GRCh37 (hg19) VCF-style: chr3-129182434-CA-C.
Other names: c.537del, p.Lys179fs (NM_001280541.2, NM_052985.4); c.-67del (NM_001280545.2, NM_001280546.2); c.384delA, p.Lys128Asnfs (NM_001410808.1, NM_001410809.1, NM_001410810.1 and 2 more transcripts); c.228delA, p.Lys76Asnfs (NM_001410815.1, NM_001410817.1); c.384del, p.Lys128fs (NM_018262.4); c.228del, p.Lys76fs (NM_052990.3); short protein forms K128fs, K76fs, K179fs.
Identifiers: ClinVar variation 1995864 (VCV001995864.4), dbSNP rs2531429983, ClinGen allele CA2580068718.
Genomic context (GRCh38, chr3:129,463,591, plus strand): 5'-ATCTTCTTTTATATTATTGTGCATTGAAGGGTTGTGGTCTCCTGAACAGAAGTCTGTCTC[CA>C]AACACAAATCAAGCAGCAAGATCATCTGCTGCAGGTAAGTGCAGCTCTGACGATAAGATT-3'